The following is an entry in ClinVar:

ClinVar aggregate classification (germline): Likely pathogenic (1 of 4 stars; one submission).

Conditions:
Nephronophthisis 18 (NPHP18). Identifiers: Orphanet 655, MedGen C3890591, MONDO:0014374, OMIM 615862.

Submission:

3billion
Classification: Likely pathogenic for Nephronophthisis 18. Last evaluated: 2025-11-18. Review status: criteria provided, single submitter. Criteria: ACMG Guidelines, 2015. Collection method: clinical testing. Allele origin: germline. Affected: yes.
Comment: The variant is not observed in the gnomAD v4.1.0 dataset. Predicted Consequence/Location: Frameshift: predicted to result in a loss or disruption of normal protein function through nonsense-mediated decay (NMD) or protein truncation. Multiple pathogenic variants are reported downstream of the variant. Therefore, this variant is classified as Likely pathogenic according to the recommendation of ACMG/AMP guideline.

NM_016122.3(CEP83):c.1667_1671del (p.Ala556fs)

Gene: CEP83 (centrosomal protein 83; minus strand). Cytogenetic location: 12q22.
Variant type: Deletion.
Coding change: c.1667_1671del on transcript NM_016122.3 (MANE Select); coding-DNA positions 1667 to 1671, 5 bases deleted (CTAAG; older notation c.1667_1671delCTAAG).
Protein change: p.Ala556fs; shifts the reading frame from alanine 556.
Molecular consequence: frameshift variant. On other transcripts: non-coding transcript variant (2).
Genome position (GRCh38, 1-based): chr12:94,331,736-94,331,740, CTTAG deleted on the plus strand (CTAAG on the coding strand, the reverse complement: CEP83 is on the minus strand); deleting any 5 consecutive bases within chr12:94,331,736-94,331,743 gives the same sequence; the c. name uses the placement nearest the transcript's 3' end. VCF-style (leftmost placement, unchanged base first): chr12-94331735-CCTTAG-C. GRCh37 (hg19) VCF-style: chr12-94725511-CCTTAG-C.
Other names: c.1667_1671del, p.Ala556fs (NM_001042399.2, NM_001346457.2, NM_001368037.1 and 1 more transcripts); c.1355_1359del, p.Ala452fs (NM_001346458.2, NM_001346459.2, NM_001368039.1 and 1 more transcripts); c.1442_1446del, p.Ala481fs (NM_001368041.1); short protein forms A452fs, A481fs, A556fs.
Identifiers: ClinVar variation 4855478 (VCV004855478.1).
Genomic context (GRCh38, chr12:94,331,735, plus strand): 5'-GATCACTTTAATAAGAACCACTTGCCTTTTTCTGGGCAATTGCAGCTCGCTGCAGTTTCT[CCTTAG>C]CTTGATTGTACTTTTCTTCTCTGTCTGTGATACGCTCATGAAGCTTATGCTTTTCTTCCA-3'